The following is an entry in ClinVar:

NM_019098.4(CNGB3):c.(?_-1)_(129+1_130-1)del

Gene: CNGB3 (cyclic nucleotide gated channel subunit beta 3; minus strand).
Variant type: Deletion.
Coding change: c.(?_-1)_(129+1_130-1)del on transcript NM_019098.4; a large deletion whose breakpoints are not mapped to the base.
Identifiers: ClinVar variation 427712 (VCV000427712.1).

ClinVar aggregate classification (germline): Pathogenic (0 of 4 stars; one submission).

Conditions:
Achromatopsia 3 (ACHM3). Also called: PINGELAPESE BLINDNESS; TOTAL COLORBLINDNESS WITH MYOPIA; ROD MONOCHROMACY 1; ROD MONOCHROMATISM 1; ACHROMATOPSIA WITH MYOPIA. Identifiers: Orphanet 49382, MedGen C1849792, MONDO:0009875, OMIM 262300.

Submission:

Molecular Genetics Laboratory, Institute for Ophthalmic Research
Classification: Pathogenic for ACHM3. Last evaluated: 2017-03-27. Review status: no assertion criteria provided. Collection method: research. Allele origin: unknown. Affected: yes.
Comment: Deletion of exon 1

Literature cited by the submitters: PubMed 28795510.